The following is an entry in ClinVar:

ClinVar aggregate classification (germline): Uncertain significance (1 of 4 stars; one submission).

Submission:

Labcorp Genetics (formerly Invitae), Labcorp
Classification: Uncertain significance. Last evaluated: 2025-06-17. Review status: criteria provided, single submitter. Criteria: Invitae Variant Classification Sherloc (09022015). Collection method: clinical testing. Allele origin: germline.
Comment: This sequence change creates a premature translational stop signal (p.Leu2933Profs*5) in the DCHS1 gene. While this is not anticipated to result in nonsense mediated decay, it is expected to disrupt the last 366 amino acid(s) of the DCHS1 protein. This variant is not present in population databases (gnomAD no frequency). This variant has not been reported in the literature in individuals affected with DCHS1-related conditions. In summary, the available evidence is currently insufficient to determine the role of this variant in disease. Therefore, it has been classified as a Variant of Uncertain Significance.

NM_003737.4(DCHS1):c.8798del (p.Leu2933fs)

Gene: DCHS1 (dachsous cadherin-related 1; minus strand). Cytogenetic location: 11p15.4.
Variant type: Deletion.
Coding change: c.8798del on transcript NM_003737.4 (MANE Select); coding-DNA position 8798, one base deleted (T; older notation c.8798delT).
Protein change: p.Leu2933fs; shifts the reading frame from leucine 2933.
Molecular consequence: frameshift variant.
Genome position (GRCh38, 1-based): chr11:6,622,878, A deleted on the plus strand (T on the coding strand, the reverse complement: DCHS1 is on the minus strand). VCF-style (leftmost placement, unchanged base first): chr11-6622877-GA-G. GRCh37 (hg19) VCF-style: chr11-6644108-GA-G.
Other names: short protein forms L2933fs.
Identifiers: ClinVar variation 4720361 (VCV004720361.1).